The following is an entry in ClinVar:

ClinVar aggregate classification (germline): Uncertain significance (1 of 4 stars; one submission).

Conditions:
Primary dilated cardiomyopathy (DCM). Also called: Dilated Cardiomyopathy. Identifiers: Orphanet 217604, MedGen C0007193, MeSH D002311, MONDO:0005021, HP:0001644. Inheritance: Various modes of inheritance.

Submission:

Labcorp Genetics (formerly Invitae), Labcorp
Classification: Uncertain significance for Primary dilated cardiomyopathy. Last evaluated: 2022-08-09. Review status: criteria provided, single submitter. Criteria: Invitae Variant Classification Sherloc (09022015). Collection method: clinical testing. Allele origin: germline.
Comment: This sequence change falls in intron 14 of the TXNRD2 gene. It does not directly change the encoded amino acid sequence of the TXNRD2 protein. It affects a nucleotide within the consensus splice site. This variant is not present in population databases (gnomAD no frequency). This variant has not been reported in the literature in individuals affected with TXNRD2-related conditions. Variants that disrupt the consensus splice site are a relatively common cause of aberrant splicing (PMID: 17576681, 9536098). Algorithms developed to predict the effect of sequence changes on RNA splicing suggest that this variant is not likely to affect RNA splicing. In summary, the available evidence is currently insufficient to determine the role of this variant in disease. Therefore, it has been classified as a Variant of Uncertain Significance.

Literature cited by the submitters: PubMed 17576681; PubMed 9536098.

NM_006440.5(TXNRD2):c.1275+6G>A

Gene: TXNRD2 (thioredoxin reductase 2; minus strand). Cytogenetic location: 22q11.21.
Variant type: single nucleotide variant.
Coding change: c.1275+6G>A on transcript NM_006440.5 (MANE Select); 6 bases into the intron after coding-DNA position 1275, G replaced by A.
Molecular consequence: intron variant.
Genome position (GRCh38, 1-based): chr22:19,880,173, C>T on the plus strand (G>A on the coding strand, the complement: TXNRD2 is on the minus strand). VCF-style: chr22-19880173-C-T. GRCh37 (hg19) VCF-style: chr22-19867696-C-T.
Other names: c.1272+6G>A (NM_001352300.2); c.987+6G>A (NM_001352302.2); c.1185+6G>A (NM_001352301.2).
Identifiers: ClinVar variation 1954736 (VCV001954736.5), dbSNP rs112654486, ClinGen allele CA2580099126.